The following is an entry in ClinVar:

NM_006031.6(PCNT):c.6887C>T (p.Pro2296Leu)

Gene: PCNT (pericentrin; plus strand). Cytogenetic location: 21q22.3.
Variant type: single nucleotide variant.
Coding change: c.6887C>T on transcript NM_006031.6 (MANE Select); coding-DNA position 6887, C replaced by T.
Protein change: p.Pro2296Leu; replaces proline 2296 with leucine.
Molecular consequence: missense variant.
Genome position (GRCh38, 1-based): chr21:46,416,805, C>T. VCF-style: chr21-46416805-C-T. GRCh37 (hg19) VCF-style: chr21-47836719-C-T.
Other names: c.6533C>T, p.Pro2178Leu (NM_001315529.2); short protein forms P2178L, P2296L.
Identifiers: ClinVar variation 1302195 (VCV001302195.8), dbSNP rs199844366, ClinGen allele CA10080433.

ClinVar aggregate classification (germline): Conflicting classifications of pathogenicity. Review status: criteria provided, conflicting classifications (1 of 4 stars). 4 submissions from 4 submitters: Uncertain significance (2); Likely benign (1). 1 of the submissions does not count toward it. Last evaluated 2024-01-16.

Conditions:
Inborn genetic diseases. Identifiers: MedGen C0950123, MeSH D030342.
PCNT-related disorder. Also called: PCNT-related condition.

Allele frequency attached by ClinVar (database versions not stated): gnomAD exomes 0.00002 and 0.00003; ExAC 0.00003; gnomAD 0.00007 and 0.00008; TOPMed 0.00014; 1000 Genomes Project 0.00020; 1000 Genomes Project 30x 0.00031.
gnomAD v4.1: 41 of 1,598,836 alleles (0.0026%); highest among the groups gnomAD compares: Admixed American, 0.023%; no homozygotes.

Submissions (4):

Ambry Genetics
Classification: Likely benign for Inborn genetic diseases. Last evaluated: 2024-01-16. Review status: criteria provided, single submitter. Criteria: Ambry Variant Classification Scheme 2023. Collection method: clinical testing. Allele origin: germline.

Labcorp Genetics (formerly Invitae), Labcorp
Classification: Uncertain significance. Last evaluated: 2022-01-21. Review status: criteria provided, single submitter. Criteria: Invitae Variant Classification Sherloc (09022015). Collection method: clinical testing. Allele origin: germline.
Comment: This sequence change replaces proline, which is neutral and non-polar, with leucine, which is neutral and non-polar, at codon 2296 of the PCNT protein (p.Pro2296Leu). This variant is present in population databases (rs199844366, gnomAD 0.006%). This variant has not been reported in the literature in individuals affected with PCNT-related conditions. ClinVar contains an entry for this variant (Variation ID: 1302195). Algorithms developed to predict the effect of missense changes on protein structure and function output the following: SIFT: "Tolerated"; PolyPhen-2: "Probably Damaging"; Align-GVGD: "Class C0". The leucine amino acid residue is found in multiple mammalian species, which suggests that this missense change does not adversely affect protein function. In summary, the available evidence is currently insufficient to determine the role of this variant in disease. Therefore, it has been classified as a Variant of Uncertain Significance.

GeneDx
Classification: Uncertain significance. Last evaluated: 2019-07-27. Review status: criteria provided, single submitter. Criteria: GeneDx Variant Classification Process June 2021. Collection method: clinical testing. Allele origin: germline. Affected: yes.
Comment: Not observed at a significant frequency in large population cohorts (Lek et al., 2016); In silico analysis, which includes protein predictors and evolutionary conservation, supports that this variant does not alter protein structure/function; Has not been previously published as pathogenic or benign to our knowledge

PreventionGenetics, part of Exact Sciences
Classification: Uncertain significance for PCNT-related condition. Last evaluated: 2024-03-05. Review status: no assertion criteria provided. Collection method: clinical testing. Allele origin: germline. Not counted in ClinVar's aggregate classification.
Comment: The PCNT c.6887C>T variant is predicted to result in the amino acid substitution p.Pro2296Leu. To our knowledge, this variant has not been reported in the literature. This variant is reported in 0.0064% of alleles in individuals of European (Finnish) descent in gnomAD. At this time, the clinical significance of this variant is uncertain due to the absence of conclusive functional and genetic evidence.